The following is an entry in ClinVar:

ClinVar aggregate classification (germline): Likely benign (0 of 4 stars; one submission).

Conditions:
SEPTIN9-related disorder. Also called: SEPTIN9-related condition.

Submission:

PreventionGenetics, part of Exact Sciences
Classification: Likely benign for SEPTIN9-related condition. Last evaluated: 2019-04-29. Review status: no assertion criteria provided. Collection method: clinical testing. Allele origin: germline.
Comment: This variant is classified as likely benign based on ACMG/AMP sequence variant interpretation guidelines (Richards et al. 2015 PMID: 25741868, with internal and published modifications).

NM_001113491.2(SEPTIN9):c.*9_*10insG

Gene: SEPTIN9 (septin 9; plus strand). Cytogenetic location: 17q25.3.
Variant type: Insertion.
Coding change: c.*9_*10insG on transcript NM_001113491.2 (MANE Select); 9 bases downstream of the stop codon through 10 bases downstream of the stop codon, G inserted.
Molecular consequence: 3 prime UTR variant.
Genome position: GRCh38 VCF-style: chr17-77498667-C-CG. GRCh37 (hg19) VCF-style: chr17-75494749-C-CG.
Other names: c.*9_*10insG (NM_001113492.2, NM_001113493.2, NM_001113494.1 and 7 more transcripts).
Identifiers: ClinVar variation 3056308 (VCV003056308.2), dbSNP rs2510136830, ClinGen allele CA2640089019.
Genomic context (GRCh38, chr17:77,498,667, plus strand): 5'-CGCCATGGCCAACGGCATGGAGGAGAAGGAGCCAGAAGCCCCGGAGATGTAGACGCCACC[C>CG]TGCCCACCCCCGGGATCCTGCCCCCAAGTCATTTCCGTCCCCCCCCAGGCCCTCCCACCA-3'